The following is an entry in ClinVar:

ClinVar aggregate classification (germline): Uncertain significance (1 of 4 stars; one submission).

Conditions:
Gnathodiaphyseal dysplasia (GDD). Also called: GNATHODIAPHYSEAL SCLEROSIS; OSTEOGENESIS IMPERFECTA WITH UNUSUAL SKELETAL LESIONS. Identifiers: Orphanet 53697, MedGen C1833736, MONDO:0008151, OMIM 166260.
Autosomal recessive limb-girdle muscular dystrophy type 2L (LGMDR12). Also called: Limb-girdle muscular dystrophy, type 2L; Limb-Girdle Muscular Dystrophy R12 Anoctamin-5-Related (LGMD-R12); MUSCULAR DYSTROPHY, LIMB-GIRDLE, AUTOSOMAL RECESSIVE 12. Identifiers: Orphanet 206549, MedGen C1969785, MONDO:0012652, OMIM 611307.

Allele frequency attached by ClinVar (database versions not stated): gnomAD exomes below 0.00001.
gnomAD v4.1: 2 of 1,609,528 alleles (0.00012%); highest among the groups gnomAD compares: Non-Finnish European, 0.00017%; no homozygotes.

Submission:

Labcorp Genetics (formerly Invitae), Labcorp
Classification: Uncertain significance for Autosomal recessive limb-girdle muscular dystrophy type 2L; Gnathodiaphyseal dysplasia. Last evaluated: 2021-04-28. Review status: criteria provided, single submitter. Criteria: Invitae Variant Classification Sherloc (09022015). Collection method: clinical testing. Allele origin: germline.
Comment: In summary, the available evidence is currently insufficient to determine the role of this variant in disease. Therefore, it has been classified as a Variant of Uncertain Significance. Algorithms developed to predict the effect of missense changes on protein structure and function are either unavailable or do not agree on the potential impact of this missense change (SIFT: "Tolerated"; PolyPhen-2: "Possibly Damaging"; Align-GVGD: "Class C0"). This variant has not been reported in the literature in individuals with ANO5-related conditions. This variant is not present in population databases (ExAC no frequency). This sequence change replaces aspartic acid with asparagine at codon 93 of the ANO5 protein (p.Asp93Asn). The aspartic acid residue is moderately conserved and there is a small physicochemical difference between aspartic acid and asparagine.

NM_213599.3(ANO5):c.277G>A (p.Asp93Asn)

Gene: ANO5 (anoctamin 5; plus strand). Cytogenetic location: 11p14.3.
Variant type: single nucleotide variant.
Coding change: c.277G>A on transcript NM_213599.3 (MANE Select); coding-DNA position 277, G replaced by A.
Protein change: p.Asp93Asn; replaces aspartic acid 93 with asparagine.
Molecular consequence: missense variant.
Genome position (GRCh38, 1-based): chr11:22,221,193, G>A. VCF-style: chr11-22221193-G-A. GRCh37 (hg19) VCF-style: chr11-22242739-G-A.
Other names: c.274G>A, p.Asp92Asn (NM_001142649.2); short protein forms D92N, D93N.
Identifiers: ClinVar variation 1436371 (VCV001436371.8), dbSNP rs2133588922, ClinGen allele CA379925516.